The following is an entry in ClinVar:

NM_002184.4(IL6ST):c.1048G>T (p.Val350Leu)

Gene: IL6ST (interleukin 6 cytokine family signal transducer; minus strand). Cytogenetic location: 5q11.2.
Variant type: single nucleotide variant.
Coding change: c.1048G>T on transcript NM_002184.4 (MANE Select); coding-DNA position 1048, G replaced by T.
Protein change: p.Val350Leu; replaces valine 350 with leucine.
Molecular consequence: missense variant. On other transcripts: non-coding transcript variant (2), intron variant (2).
Genome position (GRCh38, 1-based): chr5:55,957,217, C>A on the plus strand (G>T on the coding strand, the complement: IL6ST is on the minus strand). VCF-style: chr5-55957217-C-A. GRCh37 (hg19) VCF-style: chr5-55253045-C-A.
Other names: c.1048G>T, p.Val350Leu (NM_001190981.2, NM_001364275.2); c.838G>T, p.Val280Leu (NM_001364276.2); c.181G>T, p.Val61Leu (NM_001364277.2); c.145G>T, p.Val49Leu (NM_001364278.2); c.61-982G>T (NM_001364279.2); c.974-982G>T (NM_175767.3); short protein forms V49L, V350L, V280L, V61L.
Identifiers: ClinVar variation 1438337 (VCV001438337.8), dbSNP rs199818715, ClinGen allele CA359764649.

ClinVar aggregate classification (germline): Uncertain significance (1 of 4 stars; one submission).

Submission:

Labcorp Genetics (formerly Invitae), Labcorp
Classification: Uncertain significance. Last evaluated: 2020-11-03. Review status: criteria provided, single submitter. Criteria: Invitae Variant Classification Sherloc (09022015). Collection method: clinical testing. Allele origin: germline.
Comment: In summary, the available evidence is currently insufficient to determine the role of this variant in disease. Therefore, it has been classified as a Variant of Uncertain Significance. Algorithms developed to predict the effect of missense changes on protein structure and function output the following: SIFT: "Tolerated"; PolyPhen-2: "Benign"; Align-GVGD: "Class C0". The leucine amino acid residue is found in multiple mammalian species, suggesting that this missense change does not adversely affect protein function. These predictions have not been confirmed by published functional studies and their clinical significance is uncertain. This variant has not been reported in the literature in individuals with IL6ST-related conditions. This variant is not present in population databases (ExAC no frequency). This sequence change replaces valine with leucine at codon 350 of the IL6ST protein (p.Val350Leu). The valine residue is weakly conserved and there is a small physicochemical difference between valine and leucine.